The following is an entry in ClinVar:

ClinVar aggregate classification (germline): Uncertain significance. Review status: criteria provided, multiple submitters, no conflicts (2 of 4 stars). 2 submissions from 2 submitters: Uncertain significance (2). Last evaluated 2026-01-24.

Allele frequency attached by ClinVar (database versions not stated): TOPMed 0.00015; ExAC 0.00012; gnomAD 0.00013; ESP Exome Variant Server 0.00057; gnomAD exomes 0.00001.
gnomAD v4.1: 28 of 1,196,735 alleles (0.0023%); highest among the groups gnomAD compares: African/African-American, 0.05%; no homozygotes.

Submissions (2):

Labcorp Genetics (formerly Invitae), Labcorp
Classification: Uncertain significance. Last evaluated: 2026-01-24. Review status: criteria provided, single submitter. Criteria: Invitae Variant Classification Sherloc (09022015). Collection method: clinical testing. Allele origin: germline.
Comment: This sequence change replaces serine, which is neutral and polar, with leucine, which is neutral and non-polar, at codon 996 of the TBC1D8B protein (p.Ser996Leu). This variant is present in population databases (rs145006944, gnomAD 0.06%), and has an allele count higher than expected for a pathogenic variant. This variant has not been reported in the literature in individuals affected with TBC1D8B-related conditions. ClinVar contains an entry for this variant (Variation ID: 3174723). An algorithm developed to predict the effect of missense changes on protein structure and function (PolyPhen-2) suggests that this variant is likely to be tolerated. In summary, the available evidence is currently insufficient to determine the role of this variant in disease. Therefore, it has been classified as a Variant of Uncertain Significance.

Ambry Genetics
Classification: Uncertain significance. Last evaluated: 2023-12-09. Review status: criteria provided, single submitter. Criteria: Ambry Variant Classification Scheme 2023. Collection method: clinical testing. Allele origin: germline.

NM_017752.3(TBC1D8B):c.2987C>T (p.Ser996Leu)

Gene: TBC1D8B (TBC1 domain family member 8B; plus strand). Cytogenetic location: Xq22.3.
Variant type: single nucleotide variant.
Coding change: c.2987C>T on transcript NM_017752.3 (MANE Select); coding-DNA position 2987, C replaced by T.
Protein change: p.Ser996Leu; replaces serine 996 with leucine.
Molecular consequence: missense variant.
Genome position (GRCh38, 1-based): chrX:106,873,589, C>T. VCF-style: chrX-106873589-C-T. GRCh37 (hg19) VCF-style: chrX-106116819-C-T.
Other names: short protein forms S996L.
Identifiers: ClinVar variation 3174723 (VCV003174723.3), dbSNP rs145006944, ClinGen allele CA10483481.
Genomic context (GRCh38, chrX:106,873,589, plus strand): 5'-TCTAATATTCAAACGTGATATTTTCAACTTGTGTCTTCTAGTCTCAGTTTATTCAGTTTT[C>T]AAAGACCCTCTATAACTTATTTCATGAGGACCCTGAAGAAGAATCATTATATCAAGCCAT-3'
Protein context (NP_060222.2, residues 986-1006): RMNQSQFIQF[Ser996Leu]KTLYNLFHED